The following is an entry in ClinVar:

ClinVar aggregate classification (germline): Uncertain significance. Review status: criteria provided, multiple submitters, no conflicts (2 of 4 stars). 3 submissions from 3 submitters: Uncertain significance (3). Last evaluated 2025-03-13.

Conditions:
Fanconi anemia (FA). Also called: Fanconi's anemia. Identifiers: Orphanet 84, MedGen C0015625, MeSH D005199, MONDO:0019391.
Fanconi anemia complementation group P. Also called: SLX4-Related Fanconi Anemia. Identifiers: Orphanet 84, MedGen C3469542, MONDO:0013499, OMIM 613951.

Allele frequency attached by ClinVar (database versions not stated): gnomAD 0.00001; TOPMed 0.00001.

Submissions (3):

GeneDx
Classification: Uncertain significance. Last evaluated: 2025-03-13. Review status: criteria provided, single submitter. Criteria: GeneDx Variant Classification Process June 2021. Collection method: clinical testing. Allele origin: germline. Affected: yes.
Comment: Not observed at significant frequency in large population cohorts (gnomAD); In silico analysis supports that this missense variant has a deleterious effect on protein structure/function; Has not been previously published as pathogenic or benign to our knowledge

Fulgent Genetics
Classification: Uncertain significance for Fanconi anemia complementation group P. Last evaluated: 2024-03-07. Review status: criteria provided, single submitter. Criteria: ACMG Guidelines, 2015. Collection method: clinical testing. Allele origin: germline.

Labcorp Genetics (formerly Invitae), Labcorp
Classification: Uncertain significance for Fanconi anemia. Last evaluated: 2023-09-25. Review status: criteria provided, single submitter. Criteria: Invitae Variant Classification Sherloc (09022015). Collection method: clinical testing. Allele origin: germline.
Comment: In summary, the available evidence is currently insufficient to determine the role of this variant in disease. Therefore, it has been classified as a Variant of Uncertain Significance. Algorithms developed to predict the effect of missense changes on protein structure and function output the following: SIFT: "Not Available"; PolyPhen-2: "Benign"; Align-GVGD: "Not Available". The leucine amino acid residue is found in multiple mammalian species, which suggests that this missense change does not adversely affect protein function. This variant has not been reported in the literature in individuals affected with SLX4-related conditions. This variant is present in population databases (no rsID available, gnomAD 0.0009%). This sequence change replaces proline, which is neutral and non-polar, with leucine, which is neutral and non-polar, at codon 1208 of the SLX4 protein (p.Pro1208Leu).

NM_032444.4(SLX4):c.3623C>T (p.Pro1208Leu)

Gene: SLX4 (SLX4 structure-specific endonuclease subunit; minus strand). Cytogenetic location: 16p13.3.
Variant type: single nucleotide variant.
Coding change: c.3623C>T on transcript NM_032444.4 (MANE Select); coding-DNA position 3623, C replaced by T.
Protein change: p.Pro1208Leu; replaces proline 1208 with leucine.
Molecular consequence: missense variant.
Genome position (GRCh38, 1-based): chr16:3,590,015, G>A on the plus strand (C>T on the coding strand, the complement: SLX4 is on the minus strand). VCF-style: chr16-3590015-G-A. GRCh37 (hg19) VCF-style: chr16-3640016-G-A.
Other names: short protein forms P1208L.
Identifiers: ClinVar variation 2718336 (VCV002718336.3), dbSNP rs1234065208, ClinGen allele CA394519735.
Genomic context (GRCh38, chr16:3,590,015, plus strand): 5'-GAGCCCCGATTCTCCGGCAGCGCCCCCTCATCCTCCTGCTGCAGCACAGCTTCGCTTCTT[G>A]GTGGGCTCTGGGAAGGTTCCTGATCTGCATCAACATCAATGATGGAAAACAGCTCACAGG-3'
Protein context (NP_115820.2, residues 1198-1218): DADQEPSQSP[Pro1208Leu]RSEAVLQQED